The following is an entry in ClinVar:

ClinVar aggregate classification (germline): Uncertain significance (1 of 4 stars; one submission).

Conditions:
Cardiovascular phenotype. Identifiers: MedGen CN230736.

Submission:

Ambry Genetics
Classification: Uncertain significance for Cardiovascular phenotype. Last evaluated: 2021-07-12. Review status: criteria provided, single submitter. Criteria: Ambry Variant Classification Scheme 2023. Collection method: clinical testing. Allele origin: germline.
Comment: The p.A283S variant (also known as c.847G>T), located in coding exon 6 of the KCNQ1 gene, results from a G to T substitution at nucleotide position 847. The alanine at codon 283 is replaced by serine, an amino acid with similar properties, and is located in the transmembrane-spanning region of the protein. This amino acid position is highly conserved in available vertebrate species. In addition, this alteration is predicted to be deleterious by in silico analysis. Since supporting evidence is limited at this time, the clinical significance of this alteration remains unclear.

NM_000218.3(KCNQ1):c.847G>T (p.Ala283Ser)

Gene: KCNQ1 (potassium voltage-gated channel subfamily Q member 1; plus strand). Cytogenetic location: 11p15.5.
Variant type: single nucleotide variant.
Coding change: c.847G>T on transcript NM_000218.3 (MANE Select); coding-DNA position 847, G replaced by T.
Protein change: p.Ala283Ser; replaces alanine 283 with serine.
Molecular consequence: missense variant.
Genome position (GRCh38, 1-based): chr11:2,572,912, G>T. VCF-style: chr11-2572912-G-T. GRCh37 (hg19) VCF-style: chr11-2594142-G-T.
Other names: c.847G>T, p.Ala283Ser (NM_001406836.1); c.577G>T, p.Ala193Ser (NM_001406837.1); c.466G>T, p.Ala156Ser (NM_181798.2); short protein forms A193S, A156S, A283S.
Identifiers: ClinVar variation 1763539 (VCV001763539.2), dbSNP rs1060500627, ClinGen allele CA379131505.